The following is an entry in ClinVar:

NM_000548.5(TSC2):c.1624C>G (p.Pro542Ala)

Gene: TSC2 (TSC complex subunit 2; plus strand). Cytogenetic location: 16p13.3.
Variant type: single nucleotide variant.
Coding change: c.1624C>G on transcript NM_000548.5 (MANE Select); coding-DNA position 1624, C replaced by G.
Protein change: p.Pro542Ala; replaces proline 542 with alanine.
Molecular consequence: missense variant.
Genome position (GRCh38, 1-based): chr16:2,065,543, C>G. VCF-style: chr16-2065543-C-G. GRCh37 (hg19) VCF-style: chr16-2115544-C-G.
Other names: c.1624C>G, p.Pro542Ala (NM_001077183.3, NM_001114382.3, NM_001363528.2 and 3 more transcripts); c.1513C>G, p.Pro505Ala (NM_001318827.2); c.1477C>G, p.Pro493Ala (NM_001318829.2); c.1024C>G, p.Pro342Ala (NM_001318831.2); c.1657C>G, p.Pro553Ala (NM_001318832.2); short protein forms P542A, P553A, P342A, P493A, P505A.
Identifiers: ClinVar variation 1494844 (VCV001494844.8), dbSNP rs891347695, ClinGen allele CA394267714.

ClinVar aggregate classification (germline): Uncertain significance (1 of 4 stars; one submission).

Conditions:
Tuberous sclerosis 2 (TSC2). Identifiers: Orphanet 805, MedGen C1860707, MONDO:0013199, OMIM 613254.

gnomAD v4.1: 1 of 1,613,734 alleles (0.000062%); highest among the groups gnomAD compares: Non-Finnish European, 0.000085%; no homozygotes.

Submission:

Labcorp Genetics (formerly Invitae), Labcorp
Classification: Uncertain significance for Tuberous sclerosis 2. Last evaluated: 2020-12-18. Review status: criteria provided, single submitter. Criteria: Invitae Variant Classification Sherloc (09022015). Collection method: clinical testing. Allele origin: germline.
Comment: Algorithms developed to predict the effect of sequence changes on RNA splicing suggest that this variant may create or strengthen a splice site, but this prediction has not been confirmed by published transcriptional studies. Advanced modeling of protein sequence and biophysical properties (such as structural, functional, and spatial information, amino acid conservation, physicochemical variation, residue mobility, and thermodynamic stability) performed at Invitae indicates that this missense variant is not expected to disrupt TSC2 protein function. This variant has not been reported in the literature in individuals with TSC2-related conditions. This variant is not present in population databases (ExAC no frequency). This sequence change replaces proline with alanine at codon 542 of the TSC2 protein (p.Pro542Ala). The proline residue is moderately conserved and there is a small physicochemical difference between proline and alanine. In summary, the available evidence is currently insufficient to determine the role of this variant in disease. Therefore, it has been classified as a Variant of Uncertain Significance.